The following is an entry in ClinVar:

ClinVar aggregate classification (germline): Uncertain significance. Review status: criteria provided, multiple submitters, no conflicts (2 of 4 stars). 4 submissions from 4 submitters: Uncertain significance (3). 1 of the submissions does not count toward it. Last evaluated 2025-10-06.

Conditions:
Inborn genetic diseases. Identifiers: MedGen C0950123, MeSH D030342.
Pyruvate dehydrogenase complex deficiency (PDHC). Also called: PYRUVATE DECARBOXYLASE DEFICIENCY; Pyruvate Dehydrogenase Complex Deficiency Disease; Pyruvate dehydrogenase deficiency; Ataxia with lactic acidosis 1; PDH DEFICIENCY. Identifiers: Orphanet 765, Orphanet 79243, MedGen C0034345, MONDO:0019169.
Pyruvate dehydrogenase E1-beta deficiency (PDHBD). Identifiers: Orphanet 255138, Orphanet 765, MedGen C3279841, MONDO:0013580, OMIM 614111.

Allele frequency attached by ClinVar (database versions not stated): gnomAD exomes below 0.00001 and 0.00002; TOPMed 0.00001.
gnomAD v4.1: 38 of 1,613,722 alleles (0.0024%); highest among the groups gnomAD compares: Non-Finnish European, 0.003%; no homozygotes.

Submissions (4):

Labcorp Genetics (formerly Invitae), Labcorp
Classification: Uncertain significance for Pyruvate dehydrogenase E1-beta deficiency. Last evaluated: 2025-10-06. Review status: criteria provided, single submitter. Criteria: Invitae Variant Classification Sherloc (09022015). Collection method: clinical testing. Allele origin: germline.
Comment: This sequence change replaces isoleucine, which is neutral and non-polar, with threonine, which is neutral and polar, at codon 279 of the PDHB protein (p.Ile279Thr). This variant is present in population databases (no rsID available, gnomAD no frequency). This variant has not been reported in the literature in individuals affected with PDHB-related conditions. ClinVar contains an entry for this variant (Variation ID: 991899). Invitae Evidence Modeling of protein sequence and biophysical properties (such as structural, functional, and spatial information, amino acid conservation, physicochemical variation, residue mobility, and thermodynamic stability) indicates that this missense variant is expected to disrupt PDHB protein function with a positive predictive value of 80%. In summary, the available evidence is currently insufficient to determine the role of this variant in disease. Therefore, it has been classified as a Variant of Uncertain Significance.

Ambry Genetics
Classification: Uncertain significance for Inborn genetic diseases. Last evaluated: 2025-03-31. Review status: criteria provided, single submitter. Criteria: Ambry Variant Classification Scheme 2023. Collection method: clinical testing. Allele origin: germline.

Genome-Nilou Lab
Classification: Uncertain significance for Pyruvate dehydrogenase E1-beta deficiency. Last evaluated: 2021-07-14. Review status: criteria provided, single submitter. Criteria: ACMG Guidelines, 2015. Collection method: clinical testing. Allele origin: germline. Affected: no.

Natera, Inc.
Classification: Uncertain significance for Pyruvate decarboxylase deficiency. Last evaluated: 2020-08-13. Review status: no assertion criteria provided. Collection method: clinical testing. Allele origin: germline. Not counted in ClinVar's aggregate classification.

NM_000925.4(PDHB):c.836T>C (p.Ile279Thr)

Gene: PDHB (pyruvate dehydrogenase E1 subunit beta; minus strand). Cytogenetic location: 3p14.3.
Variant type: single nucleotide variant.
Coding change: c.836T>C on transcript NM_000925.4 (MANE Select); coding-DNA position 836, T replaced by C.
Protein change: p.Ile279Thr; replaces isoleucine 279 with threonine.
Molecular consequence: missense variant. On other transcripts: non-coding transcript variant (1).
Genome position (GRCh38, 1-based): chr3:58,428,571, A>G on the plus strand (T>C on the coding strand, the complement: PDHB is on the minus strand). VCF-style: chr3-58428571-A-G. GRCh37 (hg19) VCF-style: chr3-58414298-A-G.
Other names: c.836T>C (NM_000925.3); c.782T>C, p.Ile261Thr (NM_001173468.2, NM_001315536.2); short protein forms I261T, I279T.
Identifiers: ClinVar variation 991899 (VCV000991899.9), dbSNP rs1392622459, ClinGen allele CA353358653.